The following is an entry in ClinVar:

ClinVar aggregate classification (germline): Likely benign. Review status: criteria provided, multiple submitters, no conflicts (2 of 4 stars). 3 submissions from 3 submitters: Likely benign (3). Last evaluated 2026-08-01.

Allele frequency attached by ClinVar (database versions not stated): ESP Exome Variant Server 0.00115; ExAC 0.00142; gnomAD exomes 0.00184; gnomAD 0.00192 and 0.00195; TOPMed 0.00235; 1000 Genomes Project 0.00260; 1000 Genomes Project 30x 0.00281.
gnomAD v4.1: 3,153 of 1,613,910 alleles (0.2%); highest among the groups gnomAD compares: Admixed American, 0.66%; 7 homozygotes.

Submissions (3):

CeGaT Center for Human Genetics Tuebingen
Classification: Likely benign. Last evaluated: 2026-08-01. Review status: criteria provided, single submitter. Criteria: CeGaT Center For Human Genetics Tuebingen Variant Classification Criteria Version 2. Collection method: clinical testing. Allele origin: germline. Affected: yes. Observed: 2 variant alleles.
Comment: DLC1: BP4, BS2

Labcorp Genetics (formerly Invitae), Labcorp
Classification: Likely benign. Last evaluated: 2026-01-15. Review status: criteria provided, single submitter. Criteria: Invitae Variant Classification Sherloc (09022015). Collection method: clinical testing. Allele origin: germline.

Breakthrough Genomics
Classification: Likely benign. Review status: criteria provided, single submitter. Criteria: ACMG Guidelines, 2015. Collection method: not provided. Allele origin: germline. Inheritance: Autosomal dominant inheritance. Affected: yes.

NM_182643.3(DLC1):c.3551A>T (p.Gln1184Leu)

Gene: DLC1 (DLC1 Rho GTPase activating protein; minus strand). Cytogenetic location: 8p22.
Variant type: single nucleotide variant.
Coding change: c.3551A>T on transcript NM_182643.3 (MANE Select); coding-DNA position 3551, A replaced by T.
Protein change: p.Gln1184Leu; replaces glutamine 1184 with leucine.
Molecular consequence: missense variant.
Genome position (GRCh38, 1-based): chr8:13,092,801, T>A on the plus strand (A>T on the coding strand, the complement: DLC1 is on the minus strand). VCF-style: chr8-13092801-T-A. GRCh37 (hg19) VCF-style: chr8-12950310-T-A.
Other names: c.2018A>T, p.Gln673Leu (NM_001164271.2, NM_001348082.2, NM_001348083.1 and 1 more transcripts); c.2342A>T, p.Gln781Leu (NM_001316668.2); c.3551A>T, p.Gln1184Leu (NM_001348081.2); c.2240A>T, p.Gln747Leu (NM_006094.5); short protein forms Q673L, Q747L, Q1184L, Q781L.
Identifiers: ClinVar variation 781766 (VCV000781766.30), dbSNP rs146051142, ClinGen allele CA4638268.